The following is an entry in ClinVar:

NM_001277115.2(DNAH11):c.773T>C (p.Ile258Thr)

Gene: DNAH11 (dynein axonemal heavy chain 11; plus strand). Cytogenetic location: 7p15.3.
Variant type: single nucleotide variant.
Coding change: c.773T>C on transcript NM_001277115.2 (MANE Select); coding-DNA position 773, T replaced by C.
Protein change: p.Ile258Thr; replaces isoleucine 258 with threonine.
Molecular consequence: missense variant.
Genome position (GRCh38, 1-based): chr7:21,559,683, T>C. VCF-style: chr7-21559683-T-C. GRCh37 (hg19) VCF-style: chr7-21599301-T-C.
Other names: c.773T>C (NM_001277115.1); short protein forms I258T.
Identifiers: ClinVar variation 1401536 (VCV001401536.9), dbSNP rs771437656, ClinGen allele CA4178777.
Genomic context (GRCh38, chr7:21,559,683, plus strand): 5'-TAATACTTCATGCAATTGAATCTGTGGTTATTGAATGGTCACATCAAATCCAAGAAATTA[T>C]AGAAAGAGATTCAGTGCAGCGTTTGTTGAATGGTCTTCACTTGTCTCCTCAAGCAGAACT-3'
Protein context (NP_001264044.1, residues 248-268): IEWSHQIQEI[Ile258Thr]ERDSVQRLLN

ClinVar aggregate classification (germline): Conflicting classifications of pathogenicity. Review status: criteria provided, conflicting classifications (1 of 4 stars). 3 submissions from 3 submitters: Uncertain significance (2); Benign (1). Last evaluated 2026-07-13.

Conditions:
Primary ciliary dyskinesia. Also called: Ciliary dyskinesia. Identifiers: Orphanet 244, MedGen C0008780, MONDO:0016575, HP:0012265.
Primary ciliary dyskinesia 7. Also called: CILIARY DYSKINESIA, PRIMARY, 7, WITH OR WITHOUT SITUS INVERSUS. Identifiers: Orphanet 244, MedGen C2678473, MONDO:0012748, OMIM 611884.

Allele frequency attached by ClinVar (database versions not stated): ExAC 0.00008; gnomAD exomes 0.00009 and 0.00007; TOPMed 0.00008; gnomAD 0.00010 and 0.00009.
gnomAD v4.1: 116 of 1,611,510 alleles (0.0072%); highest among the groups gnomAD compares: Middle Eastern, 0.016%; no homozygotes.

Submissions (3):

Ambry Genetics
Classification: Uncertain significance for Primary ciliary dyskinesia. Last evaluated: 2026-07-13. Review status: criteria provided, single submitter. Criteria: Ambry Variant Classification Scheme 2023. Collection method: clinical testing. Allele origin: germline.
Comment: The p.I258T variant (also known as c.773T>C), located in coding exon 4 of the DNAH11 gene, results from a T to C substitution at nucleotide position 773. The isoleucine at codon 258 is replaced by threonine, an amino acid with similar properties. This amino acid position is conserved. In addition, this alteration is predicted to be tolerated by in silico analysis. Based on the available evidence, the clinical significance of this variant remains unclear.

Labcorp Genetics (formerly Invitae), Labcorp
Classification: Benign for Primary ciliary dyskinesia. Last evaluated: 2026-01-06. Review status: criteria provided, single submitter. Criteria: Invitae Variant Classification Sherloc (09022015). Collection method: clinical testing. Allele origin: germline.

Fulgent Genetics
Classification: Uncertain significance for Primary ciliary dyskinesia 7. Last evaluated: 2022-04-28. Review status: criteria provided, single submitter. Criteria: ACMG Guidelines, 2015. Collection method: clinical testing. Allele origin: unknown.